The following is an entry in ClinVar:

ClinVar aggregate classification (germline): Likely benign. Review status: criteria provided, single submitter (1 of 4 stars). 2 submissions from 2 submitters: Likely benign (1). 1 of the submissions does not count toward it. Last evaluated 2021-03-15.

Conditions:
OTOG-related disorder. Also called: OTOG-related condition.

Allele frequency attached by ClinVar (database versions not stated): gnomAD exomes 0.00001 and below 0.00001; gnomAD 0.00010 and 0.00009; 1000 Genomes Project 30x 0.00016; 1000 Genomes Project 0.00020.

Submissions (2):

Labcorp Genetics (formerly Invitae), Labcorp
Classification: Likely benign. Last evaluated: 2021-03-15. Review status: criteria provided, single submitter. Criteria: Invitae Variant Classification Sherloc (09022015). Collection method: clinical testing. Allele origin: germline.

PreventionGenetics, part of Exact Sciences
Classification: Likely benign for OTOG-related condition. Last evaluated: 2019-10-14. Review status: no assertion criteria provided. Collection method: clinical testing. Allele origin: germline. Not counted in ClinVar's aggregate classification.
Comment: This variant is classified as likely benign based on ACMG/AMP sequence variant interpretation guidelines (Richards et al. 2015 PMID: 25741868, with internal and published modifications).

NM_001292063.2(OTOG):c.7557G>A (p.Glu2519=)

Gene: OTOG (otogelin; plus strand). Cytogenetic location: 11p15.1.
Variant type: single nucleotide variant.
Coding change: c.7557G>A on transcript NM_001292063.2 (MANE Select); coding-DNA position 7557, G replaced by A.
Protein change: p.Glu2519=; no amino-acid change (glutamic acid 2519 retained).
Molecular consequence: synonymous variant.
Genome position (GRCh38, 1-based): chr11:17,634,920, G>A. VCF-style: chr11-17634920-G-A. GRCh37 (hg19) VCF-style: chr11-17656467-G-A.
Other names: c.7593G>A, p.Glu2531= (NM_001277269.2).
Identifiers: ClinVar variation 743292 (VCV000743292.11), dbSNP rs577246890, ClinGen allele CA218498753.